The following is an entry in ClinVar:

NM_001287.6(CLCN7):c.2074-5C>T

Gene: CLCN7 (chloride voltage-gated channel 7; minus strand). Cytogenetic location: 16p13.3.
Variant type: single nucleotide variant.
Coding change: c.2074-5C>T on transcript NM_001287.6 (MANE Select); 5 bases into the intron before coding-DNA position 2074, C replaced by T.
Molecular consequence: intron variant.
Genome position (GRCh38, 1-based): chr16:1,447,573, G>A on the plus strand (C>T on the coding strand, the complement: CLCN7 is on the minus strand). VCF-style: chr16-1447573-G-A. GRCh37 (hg19) VCF-style: chr16-1497574-G-A.
Other names: c.2002-5C>T (NM_001114331.3).
Identifiers: ClinVar variation 748642 (VCV000748642.10), dbSNP rs556391293, ClinGen allele CA7809917.

ClinVar aggregate classification (germline): Likely benign. Review status: criteria provided, single submitter (1 of 4 stars). 2 submissions from 2 submitters: Likely benign (1). 1 of the submissions does not count toward it. Last evaluated 2025-09-09.

Conditions:
CLCN7-related disorder. Also called: CLCN7-related condition.

Allele frequency attached by ClinVar (database versions not stated): gnomAD exomes 0.00003; gnomAD 0.00009; TOPMed 0.00010; ExAC 0.00011.

Submissions (2):

Labcorp Genetics (formerly Invitae), Labcorp
Classification: Likely benign. Last evaluated: 2025-09-09. Review status: criteria provided, single submitter. Criteria: Invitae Variant Classification Sherloc (09022015). Collection method: clinical testing. Allele origin: germline.

PreventionGenetics, part of Exact Sciences
Classification: Likely benign for CLCN7-related condition. Last evaluated: 2019-09-11. Review status: no assertion criteria provided. Collection method: clinical testing. Allele origin: germline. Not counted in ClinVar's aggregate classification.
Comment: This variant is classified as likely benign based on ACMG/AMP sequence variant interpretation guidelines (Richards et al. 2015 PMID: 25741868, with internal and published modifications).